The following is an entry in ClinVar:

NM_020778.5(ALPK3):c.4021T>C (p.Cys1341Arg)

Gene: ALPK3 (alpha kinase 3; plus strand). Cytogenetic location: 15q25.3.
Variant type: single nucleotide variant.
Coding change: c.4021T>C on transcript NM_020778.5 (MANE Select); coding-DNA position 4021, T replaced by C.
Protein change: p.Cys1341Arg; replaces cysteine 1341 with arginine.
Molecular consequence: missense variant.
Genome position (GRCh38, 1-based): chr15:84,859,831, T>C. VCF-style: chr15-84859831-T-C. GRCh37 (hg19) VCF-style: chr15-85403062-T-C.
Other names: short protein forms C1341R.
Identifiers: ClinVar variation 1741988 (VCV001741988.10), dbSNP rs369768389, ClinGen allele CA7709808.
Genomic context (GRCh38, chr15:84,859,831, plus strand): 5'-TGCAGCGCAGGGGATGAGGGGCCGGCGGCCTTGGCCATCGTGCAGGCCTCCCCCGTAGAC[T>C]GCGGTGTGTATCGGTGCACCATCCACAATGAGCACGGCTCGGCCTCCACCGACTTCTGCC-3'
Protein context (NP_065829.4, residues 1331-1351): LAIVQASPVD[Cys1341Arg]GVYRCTIHNE

ClinVar aggregate classification (germline): Uncertain significance. Review status: criteria provided, multiple submitters, no conflicts (2 of 4 stars). 3 submissions from 3 submitters: Uncertain significance (3). Last evaluated 2026-02-17.

Conditions:
Cardiovascular phenotype. Identifiers: MedGen CN230736.

Allele frequency attached by ClinVar (database versions not stated): ExAC 0.00001; gnomAD exomes 0.00001; TOPMed 0.00003; gnomAD 0.00006.
gnomAD v4.1: 19 of 1,614,014 alleles (0.0012%); highest among the groups gnomAD compares: African/African-American, 0.02%; 2 homozygotes.

Submissions (3):

Ambry Genetics
Classification: Uncertain significance for Cardiovascular phenotype. Last evaluated: 2026-02-17. Review status: criteria provided, single submitter. Criteria: Ambry Variant Classification Scheme 2023. Collection method: clinical testing. Allele origin: germline.

Labcorp Genetics (formerly Invitae), Labcorp
Classification: Uncertain significance. Last evaluated: 2025-08-03. Review status: criteria provided, single submitter. Criteria: Invitae Variant Classification Sherloc (09022015). Collection method: clinical testing. Allele origin: germline.
Comment: This sequence change replaces cysteine, which is neutral and slightly polar, with arginine, which is basic and polar, at codon 1543 of the ALPK3 protein (p.Cys1543Arg). This variant is present in population databases (rs369768389, gnomAD 0.003%). This variant has not been reported in the literature in individuals affected with ALPK3-related conditions. ClinVar contains an entry for this variant (Variation ID: 1741988). Invitae Evidence Modeling of protein sequence and biophysical properties (such as structural, functional, and spatial information, amino acid conservation, physicochemical variation, residue mobility, and thermodynamic stability) indicates that this missense variant is expected to disrupt ALPK3 protein function with a positive predictive value of 80%. In summary, the available evidence is currently insufficient to determine the role of this variant in disease. Therefore, it has been classified as a Variant of Uncertain Significance.

Molecular Diagnostic Laboratory for Inherited Cardiovascular Disease, Montreal Heart Institute
Classification: Uncertain significance for Cardiovascular phenotype. Last evaluated: 2025-04-09. Review status: criteria provided, single submitter. Criteria: ACMG Guidelines, 2015. Collection method: clinical testing. Allele origin: germline. Affected: yes.